The following is an entry in ClinVar:

NM_182914.3(SYNE2):c.15884G>T (p.Arg5295Leu)

Gene: SYNE2 (spectrin repeat containing nuclear envelope protein 2; plus strand). Cytogenetic location: 14q23.2.
Variant type: single nucleotide variant.
Coding change: c.15884G>T on transcript NM_182914.3 (MANE Select); coding-DNA position 15884, G replaced by T.
Protein change: p.Arg5295Leu; replaces arginine 5295 with leucine.
Molecular consequence: missense variant.
Genome position (GRCh38, 1-based): chr14:64,158,716, G>T. VCF-style: chr14-64158716-G-T. GRCh37 (hg19) VCF-style: chr14-64625434-G-T.
Other names: c.15884G>T, p.Arg5295Leu (NM_015180.6); short protein forms R5295L.
Identifiers: ClinVar variation 470942 (VCV000470942.8), dbSNP rs769633528, ClinGen allele CA389954707.

ClinVar aggregate classification (germline): Uncertain significance (1 of 4 stars; one submission).

Conditions:
Emery-Dreifuss muscular dystrophy 5, autosomal dominant (EDMD5). Also called: EMERY-DREIFUSS MUSCULAR DYSTROPHY 5. Identifiers: Orphanet 261, MedGen C2751805, MONDO:0013072, OMIM 612999.

Allele frequency attached by ClinVar (database versions not stated): TOPMed 0.00001.
gnomAD v4.1: 27 of 1,613,842 alleles (0.0017%); highest among the groups gnomAD compares: Non-Finnish European, 0.0021%; no homozygotes.

Submission:

Labcorp Genetics (formerly Invitae), Labcorp
Classification: Uncertain significance for Emery-Dreifuss muscular dystrophy 5, autosomal dominant. Last evaluated: 2022-07-12. Review status: criteria provided, single submitter. Criteria: Invitae Variant Classification Sherloc (09022015). Collection method: clinical testing. Allele origin: germline.
Comment: This variant has not been reported in the literature in individuals affected with SYNE2-related conditions. This variant is present in population databases (no rsID available, gnomAD 0.002%). This sequence change replaces arginine, which is basic and polar, with leucine, which is neutral and non-polar, at codon 5295 of the SYNE2 protein (p.Arg5295Leu). ClinVar contains an entry for this variant (Variation ID: 470942). In summary, the available evidence is currently insufficient to determine the role of this variant in disease. Therefore, it has been classified as a Variant of Uncertain Significance. Algorithms developed to predict the effect of missense changes on protein structure and function are either unavailable or do not agree on the potential impact of this missense change (SIFT: "Deleterious"; PolyPhen-2: "Possibly Damaging"; Align-GVGD: "Class C0").